The following is an entry in ClinVar:

ClinVar aggregate classification (germline): Uncertain significance. Review status: criteria provided, multiple submitters, no conflicts (2 of 4 stars). 2 submissions from 2 submitters: Uncertain significance (2). Last evaluated 2025-08-01.

Conditions:
Inborn genetic diseases. Identifiers: MedGen C0950123, MeSH D030342.

Allele frequency attached by ClinVar (database versions not stated): ESP Exome Variant Server 0.00008; ExAC 0.00010.
gnomAD v4.1: 44 of 1,611,746 alleles (0.0027%); highest among the groups gnomAD compares: Admixed American, 0.03%; no homozygotes.

Submissions (2):

Ambry Genetics
Classification: Uncertain significance for Inborn genetic diseases. Last evaluated: 2025-08-01. Review status: criteria provided, single submitter. Criteria: Ambry Variant Classification Scheme 2023. Collection method: clinical testing. Allele origin: germline.

Labcorp Genetics (formerly Invitae), Labcorp
Classification: Uncertain significance. Last evaluated: 2025-01-06. Review status: criteria provided, single submitter. Criteria: Invitae Variant Classification Sherloc (09022015). Collection method: clinical testing. Allele origin: germline.
Comment: This sequence change replaces serine, which is neutral and polar, with leucine, which is neutral and non-polar, at codon 632 of the AP3D1 protein (p.Ser632Leu). This variant is present in population databases (rs371009015, gnomAD 0.06%). This variant has not been reported in the literature in individuals affected with AP3D1-related conditions. ClinVar contains an entry for this variant (Variation ID: 1899200). An algorithm developed to predict the effect of missense changes on protein structure and function (PolyPhen-2) suggests that this variant is likely to be tolerated. In summary, the available evidence is currently insufficient to determine the role of this variant in disease. Therefore, it has been classified as a Variant of Uncertain Significance.

NM_001261826.3(AP3D1):c.1895C>T (p.Ser632Leu)

Gene: AP3D1 (adaptor related protein complex 3 subunit delta 1; minus strand). Cytogenetic location: 19p13.3.
Variant type: single nucleotide variant.
Coding change: c.1895C>T on transcript NM_001261826.3 (MANE Select); coding-DNA position 1895, C replaced by T.
Protein change: p.Ser632Leu; replaces serine 632 with leucine.
Molecular consequence: missense variant.
Genome position (GRCh38, 1-based): chr19:2,116,711, G>A on the plus strand (C>T on the coding strand, the complement: AP3D1 is on the minus strand). VCF-style: chr19-2116711-G-A. GRCh37 (hg19) VCF-style: chr19-2116710-G-A.
Other names: c.1895C>T (NM_003938.5); c.1895C>T, p.Ser632Leu (NM_001374799.1, NM_003938.8); short protein forms S632L.
Identifiers: ClinVar variation 1899200 (VCV001899200.8), dbSNP rs371009015, ClinGen allele CA9059134.